The following is an entry in ClinVar:

NM_001374504.1(TMPRSS6):c.1413C>G (p.Cys471Trp)

Gene: TMPRSS6 (transmembrane serine protease 6; minus strand). Cytogenetic location: 22q12.3.
Variant type: single nucleotide variant.
Coding change: c.1413C>G on transcript NM_001374504.1 (MANE Select); coding-DNA position 1413, C replaced by G.
Protein change: p.Cys471Trp; replaces cysteine 471 with tryptophan.
Molecular consequence: missense variant.
Genome position (GRCh38, 1-based): chr22:37,074,638, G>C on the plus strand (C>G on the coding strand, the complement: TMPRSS6 is on the minus strand). VCF-style: chr22-37074638-G-C. GRCh37 (hg19) VCF-style: chr22-37470678-G-C.
Other names: c.1413C>G, p.Cys471Trp (NM_001289000.2, NM_001289001.2, NM_153609.4); short protein forms C471W.
Identifiers: ClinVar variation 1879555 (VCV001879555.29), dbSNP rs2517741884, ClinGen allele CA411421404.

ClinVar aggregate classification (germline): Uncertain significance (1 of 4 stars; one submission).

Submission:

CeGaT Center for Human Genetics Tuebingen
Classification: Uncertain significance. Last evaluated: 2022-10-01. Review status: criteria provided, single submitter. Criteria: CeGaT Center For Human Genetics Tuebingen Variant Classification Criteria Version 2. Collection method: clinical testing. Allele origin: germline. Affected: yes. Observed: 2 variant alleles.
Comment: TMPRSS6: PM2, PP3